The following is an entry in ClinVar:

NM_005732.4(RAD50):c.602A>G (p.Gln201Arg)

Gene: RAD50 (RAD50 double strand break repair protein; plus strand). Cytogenetic location: 5q31.1.
Variant type: single nucleotide variant.
Coding change: c.602A>G on transcript NM_005732.4 (MANE Select); coding-DNA position 602, A replaced by G.
Protein change: p.Gln201Arg; replaces glutamine 201 with arginine.
Molecular consequence: missense variant.
Genome position (GRCh38, 1-based): chr5:132,579,912, A>G. VCF-style: chr5-132579912-A-G. GRCh37 (hg19) VCF-style: chr5-131915604-A-G.
Other names: short protein forms Q201R.
Identifiers: ClinVar variation 1718419 (VCV001718419.6), dbSNP rs2479617314, ClinGen allele CA360935775.

ClinVar aggregate classification (germline): Uncertain significance (1 of 4 stars; one submission).

Conditions:
Hereditary cancer-predisposing syndrome. Also called: Hereditary neoplastic syndrome; Neoplastic Syndromes, Hereditary; Hereditary Cancer Syndrome; Tumor predisposition. Identifiers: Orphanet 140162, MedGen C0027672, MeSH D009386, MONDO:0015356.

Submission:

Labcorp Genetics (formerly Invitae), Labcorp
Classification: Uncertain significance for Hereditary cancer-predisposing syndrome. Last evaluated: 2022-08-31. Review status: criteria provided, single submitter. Criteria: Invitae Variant Classification Sherloc (09022015). Collection method: clinical testing. Allele origin: germline.
Comment: This sequence change replaces glutamine, which is neutral and polar, with arginine, which is basic and polar, at codon 201 of the RAD50 protein (p.Gln201Arg). This variant is not present in population databases (gnomAD no frequency). This variant has not been reported in the literature in individuals affected with RAD50-related conditions. Algorithms developed to predict the effect of missense changes on protein structure and function (SIFT, PolyPhen-2, Align-GVGD) all suggest that this variant is likely to be tolerated. In summary, the available evidence is currently insufficient to determine the role of this variant in disease. Therefore, it has been classified as a Variant of Uncertain Significance.